The following is an entry in ClinVar:

NM_006031.6(PCNT):c.1813C>G (p.Leu605Val)

Gene: PCNT (pericentrin; plus strand). Cytogenetic location: 21q22.3.
Variant type: single nucleotide variant.
Coding change: c.1813C>G on transcript NM_006031.6 (MANE Select); coding-DNA position 1813, C replaced by G.
Protein change: p.Leu605Val; replaces leucine 605 with valine.
Molecular consequence: missense variant.
Genome position (GRCh38, 1-based): chr21:46,355,503, C>G. VCF-style: chr21-46355503-C-G. GRCh37 (hg19) VCF-style: chr21-47775418-C-G.
Other names: c.1459C>G, p.Leu487Val (NM_001315529.2); short protein forms L487V, L605V.
Identifiers: ClinVar variation 994159 (VCV000994159.9), dbSNP rs2084439675, ClinGen allele CA410563500.
Genomic context (GRCh38, chr21:46,355,503, plus strand): 5'-TCTCTGTAGGAGAGCCTGCCACGCTTCCAGGCGGAGTTAGAAGAAAGCCACAGGCACCAG[C>G]TGGAAGCGCTGGAGTCTCCCCTCTGCATCCAGCACGAGGGGCATGTCTCAGACAGATGCT-3'
Protein context (NP_006022.3, residues 595-615): AELEESHRHQ[Leu605Val]EALESPLCIQ

ClinVar aggregate classification (germline): Uncertain significance. Review status: criteria provided, multiple submitters, no conflicts (2 of 4 stars). 2 submissions from 2 submitters: Uncertain significance (2). Last evaluated 2022-08-20.

Conditions:
Microcephalic osteodysplastic primordial dwarfism type II (MOPD2). Also called: Microcephalic osteodysplastic primordial dwarfism with tooth abnormalities; MOPD II; OSTEODYSPLASTIC PRIMORDIAL DWARFISM, TYPE II. Identifiers: Orphanet 2637, MedGen C0432246, MONDO:0008872, OMIM 210720.

Submissions (2):

Labcorp Genetics (formerly Invitae), Labcorp
Classification: Uncertain significance. Last evaluated: 2022-08-20. Review status: criteria provided, single submitter. Criteria: Invitae Variant Classification Sherloc (09022015). Collection method: clinical testing. Allele origin: germline.
Comment: This sequence change replaces leucine, which is neutral and non-polar, with valine, which is neutral and non-polar, at codon 605 of the PCNT protein (p.Leu605Val). This variant is not present in population databases (gnomAD no frequency). This variant has not been reported in the literature in individuals affected with PCNT-related conditions. ClinVar contains an entry for this variant (Variation ID: 994159). Algorithms developed to predict the effect of missense changes on protein structure and function output the following: SIFT: "Deleterious"; PolyPhen-2: "Possibly Damaging"; Align-GVGD: "Class C0". The valine amino acid residue is found in multiple mammalian species, which suggests that this missense change does not adversely affect protein function. In summary, the available evidence is currently insufficient to determine the role of this variant in disease. Therefore, it has been classified as a Variant of Uncertain Significance.

ARUP Laboratories, Molecular Genetics and Genomics, ARUP Laboratories
Classification: Uncertain significance for Microcephalic osteodysplastic primordial dwarfism type II. Last evaluated: 2020-05-21. Review status: criteria provided, single submitter. Criteria: ARUP Molecular Germline Variant Investigation Process. Collection method: clinical testing. Allele origin: germline.
Comment: The PCNT c.1813C>G; p.Leu605Val variant, to our knowledge, is not reported in the medical literature or gene-specific databases. This variant is also absent from general population databases (Exome Variant Server, Genome Aggregation Database), indicating it is not a common polymorphism. The leucine at codon 605 is highly conserved, but computational analyses (SIFT: damaging, PolyPhen-2: benign) predict conflicting effects of this variant on protein structure/function. However, only truncating variants in PCNT have been associated with disease (Rauch 2008, Willems 2010). Due to limited information, the clinical significance of the p.Leu605Val variant is uncertain at this time. References: Rauch A et al. Mutations in the pericentrin (PCNT) gene cause primordial dwarfism. Science. 2008 Feb 8;319(5864):816-9. Willems M et al. Molecular analysis of pericentrin gene (PCNT) in a series of 24 Seckel/microcephalic osteodysplastic primordial dwarfism type II (MOPD II) families. J Med Genet. 2010 Dec;47(12):797-802.